The following is an entry in ClinVar:

NM_002860.4(ALDH18A1):c.558+289G>T

Gene: ALDH18A1 (aldehyde dehydrogenase 18 family member A1; minus strand). Cytogenetic location: 10q24.1.
Variant type: single nucleotide variant.
Coding change: c.558+289G>T on transcript NM_002860.4 (MANE Select); 289 bases into the intron after coding-DNA position 558, G replaced by T.
Molecular consequence: intron variant.
Genome position (GRCh38, 1-based): chr10:95,636,804, C>A on the plus strand (G>T on the coding strand, the complement: ALDH18A1 is on the minus strand). VCF-style: chr10-95636804-C-A. GRCh37 (hg19) VCF-style: chr10-97396561-C-A.
Other names: c.-78-3155G>T (NM_001323419.2); c.225+289G>T (NM_001323412.2, NM_001323418.2, NM_001323416.2); c.453+483G>T (NM_001323417.2); c.558+289G>T (NM_001017423.2, NM_001323415.2, NM_001323413.2 and 1 more transcripts).
Identifiers: ClinVar variation 669715 (VCV000669715.1), dbSNP rs11188410, ClinGen allele CA211802371.

ClinVar aggregate classification (germline): Benign (1 of 4 stars; one submission).

Allele frequency attached by ClinVar (database versions not stated): 1000 Genomes Project 30x 0.05559; 1000 Genomes Project 0.05571; TOPMed 0.05598; gnomAD 0.05871 and 0.05884.

Submission:

GeneDx
Classification: Benign. Last evaluated: 2018-06-14. Review status: criteria provided, single submitter. Criteria: GeneDx Variant Classification (06012015). Collection method: clinical testing. Allele origin: germline. Affected: yes.
Comment: This variant is considered likely benign or benign based on one or more of the following criteria: it is a conservative change, it occurs at a poorly conserved position in the protein, it is predicted to be benign by multiple in silico algorithms, and/or has population frequency not consistent with disease.